The following is an entry in ClinVar:

ClinVar aggregate classification (germline): Uncertain significance (1 of 4 stars; one submission).

Conditions:
Lafora disease. Also called: Epilepsy progressive myoclonic 2; Progressive Myoclonus Epilepsy, Lafora Type. Identifiers: Orphanet 501, MedGen C0751783, MONDO:0009697.

Allele frequency attached by ClinVar (database versions not stated): gnomAD 0.00001; TOPMed 0.00001.

Submission:

Labcorp Genetics (formerly Invitae), Labcorp
Classification: Uncertain significance for Lafora disease. Last evaluated: 2024-10-22. Review status: criteria provided, single submitter. Criteria: Invitae Variant Classification Sherloc (09022015). Collection method: clinical testing. Allele origin: germline.
Comment: This sequence change replaces alanine, which is neutral and non-polar, with threonine, which is neutral and polar, at codon 324 of the NHLRC1 protein (p.Ala324Thr). This variant is present in population databases (rs776454075, gnomAD 0.003%). This variant has not been reported in the literature in individuals affected with NHLRC1-related conditions. ClinVar contains an entry for this variant (Variation ID: 1463888). Invitae Evidence Modeling of protein sequence and biophysical properties (such as structural, functional, and spatial information, amino acid conservation, physicochemical variation, residue mobility, and thermodynamic stability) has been performed for this missense variant. However, the output from this modeling did not meet the statistical confidence thresholds required to predict the impact of this variant on NHLRC1 protein function. In summary, the available evidence is currently insufficient to determine the role of this variant in disease. Therefore, it has been classified as a Variant of Uncertain Significance.

NM_198586.3(NHLRC1):c.970G>A (p.Ala324Thr)

Gene: NHLRC1 (NHL repeat containing E3 ubiquitin protein ligase 1; minus strand). Cytogenetic location: 6p22.3.
Variant type: single nucleotide variant.
Coding change: c.970G>A on transcript NM_198586.3 (MANE Select); coding-DNA position 970, G replaced by A.
Protein change: p.Ala324Thr; replaces alanine 324 with threonine.
Molecular consequence: missense variant.
Genome position (GRCh38, 1-based): chr6:18,121,637, C>T on the plus strand (G>A on the coding strand, the complement: NHLRC1 is on the minus strand). VCF-style: chr6-18121637-C-T. GRCh37 (hg19) VCF-style: chr6-18121868-C-T.
Other names: short protein forms A324T.
Identifiers: ClinVar variation 1463888 (VCV001463888.5), dbSNP rs776454075, ClinGen allele CA3649894.